The following is an entry in ClinVar:

NM_004415.4(DSP):c.3085-197G>T

Gene: DSP (desmoplakin; plus strand). Cytogenetic location: 6p24.3.
Variant type: single nucleotide variant.
Coding change: c.3085-197G>T on transcript NM_004415.4 (MANE Select); 197 bases into the intron before coding-DNA position 3085, G replaced by T.
Molecular consequence: intron variant.
Genome position (GRCh38, 1-based): chr6:7,579,078, G>T. VCF-style: chr6-7579078-G-T. GRCh37 (hg19) VCF-style: chr6-7579311-G-T.
Other names: c.3085-197G>T (NM_001319034.2, NM_001008844.3).
Identifiers: ClinVar variation 672138 (VCV000672138.1), dbSNP rs2757634, ClinGen allele CA15436750.

ClinVar aggregate classification (germline): Benign (1 of 4 stars; one submission).

Allele frequency attached by ClinVar (database versions not stated): gnomAD 0.67695 and 0.68184; TOPMed 0.68804; 1000 Genomes Project 30x 0.70191; 1000 Genomes Project 0.70467.
gnomAD v4.1: 103,719 of 152,052 alleles (68%); highest among the groups gnomAD compares: East Asian, 80%; 35,679 homozygotes.

Submission:

GeneDx
Classification: Benign. Last evaluated: 2018-06-15. Review status: criteria provided, single submitter. Criteria: GeneDx Variant Classification (06012015). Collection method: clinical testing. Allele origin: germline. Affected: yes.
Comment: This variant is considered likely benign or benign based on one or more of the following criteria: it is a conservative change, it occurs at a poorly conserved position in the protein, it is predicted to be benign by multiple in silico algorithms, and/or has population frequency not consistent with disease.